The following is an entry in ClinVar:

ClinVar aggregate classification (germline): Uncertain significance (1 of 4 stars; one submission).

Submission:

Labcorp Genetics (formerly Invitae), Labcorp
Classification: Uncertain significance. Last evaluated: 2022-06-22. Review status: criteria provided, single submitter. Criteria: Invitae Variant Classification Sherloc (09022015). Collection method: clinical testing. Allele origin: germline.
Comment: In summary, the available evidence is currently insufficient to determine the role of this variant in disease. Therefore, it has been classified as a Variant of Uncertain Significance. Algorithms developed to predict the effect of sequence changes on RNA splicing suggest that this variant may disrupt the consensus splice site. Algorithms developed to predict the effect of missense changes on protein structure and function (SIFT, PolyPhen-2, Align-GVGD) all suggest that this variant is likely to be tolerated. This variant has not been reported in the literature in individuals affected with SKIV2L-related conditions. This variant is not present in population databases (gnomAD no frequency). This sequence change replaces leucine, which is neutral and non-polar, with valine, which is neutral and non-polar, at codon 209 of the SKIV2L protein (p.Leu209Val).

NM_006929.5(SKIC2):c.625C>G (p.Leu209Val)

Gene: SKIC2 (SKI2 subunit of superkiller complex; plus strand). Cytogenetic location: 6p21.33.
Variant type: single nucleotide variant.
Coding change: c.625C>G on transcript NM_006929.5 (MANE Select); coding-DNA position 625, C replaced by G.
Protein change: p.Leu209Val; replaces leucine 209 with valine.
Molecular consequence: missense variant.
Genome position (GRCh38, 1-based): chr6:31,961,222, C>G. VCF-style: chr6-31961222-C-G. GRCh37 (hg19) VCF-style: chr6-31928999-C-G.
Other names: short protein forms L209V.
Identifiers: ClinVar variation 2008883 (VCV002008883.4), dbSNP rs2482903711, ClinGen allele CA363442742.